The following is an entry in ClinVar:

NM_001395413.1(POR):c.1661-2A>G

Gene: POR (cytochrome p450 oxidoreductase; plus strand). Cytogenetic location: 7q11.23.
Variant type: single nucleotide variant.
Coding change: c.1661-2A>G on transcript NM_001395413.1 (MANE Select); the canonical splice acceptor site of the intron before coding-DNA position 1661, A replaced by G.
Molecular consequence: splice acceptor variant.
Genome position (GRCh38, 1-based): chr7:75,985,921, A>G. VCF-style: chr7-75985921-A-G. GRCh37 (hg19) VCF-style: chr7-75615239-A-G.
Other names: c.1511-2A>G (NM_001382662.3); c.1661-2A>G (NM_001382659.3, NM_001367562.3, NM_001382658.3 and 1 more transcripts); c.1715-2A>G (NM_001382655.3).
Identifiers: ClinVar variation 2820061 (VCV002820061.3), dbSNP rs2535412179, ClinGen allele CA367750425.
Genomic context (GRCh38, chr7:75,985,921, plus strand): 5'-CCCATGGGGGAGAGGGGGTGACGACTGGGAGCCCCGCGCTCACCCCGGCCCCTGCCACGC[A>G]GGCAAGGAGGTGGGGGAGACGCTGCTGTACTACGGCTGCCGCCGCTCGGATGAGGACTAC-3'

ClinVar aggregate classification (germline): Likely pathogenic (1 of 4 stars; one submission).

Conditions:
Congenital adrenal hyperplasia due to cytochrome P450 oxidoreductase deficiency. Also called: DISORDERED STEROIDOGENESIS DUE TO POR DEFICIENCY. Identifiers: Orphanet 95699, MedGen C1860042, MONDO:0013310, OMIM 613571.

Submission:

Labcorp Genetics (formerly Invitae), Labcorp
Classification: Likely pathogenic for Congenital adrenal hyperplasia due to cytochrome P450 oxidoreductase deficiency. Last evaluated: 2022-12-10. Review status: criteria provided, single submitter. Criteria: Invitae Variant Classification Sherloc (09022015). Collection method: clinical testing. Allele origin: germline.
Comment: In summary, the currently available evidence indicates that the variant is pathogenic, but additional data are needed to prove that conclusively. Therefore, this variant has been classified as Likely Pathogenic. Algorithms developed to predict the effect of sequence changes on RNA splicing suggest that this variant may disrupt the consensus splice site. This variant has not been reported in the literature in individuals affected with POR-related conditions. This variant is not present in population databases (gnomAD no frequency). This sequence change affects an acceptor splice site in intron 13 of the POR gene. It is expected to disrupt RNA splicing. Variants that disrupt the donor or acceptor splice site typically lead to a loss of protein function (PMID: 16199547), and loss-of-function variants in POR are known to be pathogenic (PMID: 14758361, 20732302, 21741353).

Literature cited by the submitters: PubMed 16199547; PubMed 14758361; PubMed 20732302; PubMed 21741353.